The following is an entry in ClinVar:

ClinVar aggregate classification (germline): Pathogenic (0 of 4 stars; one submission).

Conditions:
Pyruvate dehydrogenase E1-alpha deficiency (PDHAD). Also called: ATAXIA, INTERMITTENT, WITH PYRUVATE DEHYDROGENASE DEFICIENCY; ATAXIA WITH LACTIC ACIDOSIS I; ATAXIA, INTERMITTENT, WITH ABNORMAL PYRUVATE METABOLISM; Ataxia, intermittent, with pyruvate dehydrogenase, or decarboxylase, deficiency. Identifiers: Orphanet 79243, MedGen C1839413, MONDO:0010717, OMIM 312170.

Submission:

PDHA1 Study Group, University Children’s Hospital, Paracelsus Medical University
Classification: Pathogenic for Pyruvate dehydrogenase E1-alpha deficiency. Last evaluated: 2024-10-15. Review status: no assertion criteria provided. Collection method: research. Allele origin: germline. Affected: yes. Observed: 4 variant alleles.
Comment: The NM_000284.3:c.883A>G (p.Ser295Gly) substitution is a missense variant in PDHA1 gene. In total, 4 individuals were diagnosed with PDHA1-related Pyruvate dehydrogenase complex (PDHc) deficiency (MIM #312170). This variant has been identified in 4 unpublished cases from internal data. Last literature search: July 12, 2024. This variant is absent or extremely rare in population-based cohorts in the Genome Aggregation Database (gnomAD). Individuals harboring this variant presented with clinical features compatible with PDHA1-related PDHc deficiency. In summary, this variant meets criteria to be classified as pathogenic (P) for PDHA1-related PDHc deficiency based on the ACMG/AMP criteria applied: PS3, PM1, PM2, PM7, PP3 (last assessment October 15, 2024).

Literature cited by the submitters: DOI 10.1093/brain/awaf430.

NM_000284.4(PDHA1):c.883A>G (p.Ser295Gly)

Gene: PDHA1 (pyruvate dehydrogenase E1 subunit alpha 1; plus strand). Cytogenetic location: Xp22.12.
Variant type: single nucleotide variant.
Coding change: c.883A>G on transcript NM_000284.4 (MANE Select); coding-DNA position 883, A replaced by G.
Protein change: p.Ser295Gly; replaces serine 295 with glycine.
Molecular consequence: missense variant.
Genome position (GRCh38, 1-based): chrX:19,357,703, A>G. VCF-style: chrX-19357703-A-G. GRCh37 (hg19) VCF-style: chrX-19375821-A-G.
Other names: c.997A>G, p.Ser333Gly (NM_001173454.2); c.904A>G, p.Ser302Gly (NM_001173455.2); c.790A>G, p.Ser264Gly (NM_001173456.2); short protein forms S264G, S295G, S302G, S333G.
Identifiers: ClinVar variation 4070483 (VCV004070483.1).
Genomic context (GRCh38, chrX:19,357,703, plus strand): 5'-CTGTTTTAGGGGCCCATCCTGATGGAGCTGCAGACTTACCGTTACCACGGACACAGTATG[A>G]GTGACCCTGGAGTCAGGTACGCTCATGGGCAGTGTGGTTTCCATAGGGGTGGGCTTTGAA-3'
Protein context (NP_000275.1, residues 285-305): QTYRYHGHSM[Ser295Gly]DPGVSYRTRE